The following is an entry in ClinVar:

ClinVar aggregate classification (germline): Uncertain significance. Review status: criteria provided, multiple submitters, no conflicts (2 of 4 stars). 7 submissions from 7 submitters: Uncertain significance (7). Last evaluated 2026-02-02.

Conditions:
Familial adenomatous polyposis 2. Also called: COLORECTAL ADENOMATOUS POLYPOSIS, AUTOSOMAL RECESSIVE; MUTYH-related attenuated familial adenomatous polyposis; Adenomas, multiple colorectal; MUTYH-associated polyposis; MUTYH Polyposis; ADENOMAS, MULTIPLE COLORECTAL, AUTOSOMAL RECESSIVE. Identifiers: Orphanet 220460, Orphanet 247798, MedGen C3272841, MONDO:0012041, OMIM 608456.
Gastric cancer. Also called: Stomach cancer; Malignant tumor of stomach. Identifiers: MedGen C0024623, MeSH D013274, MONDO:0001056, OMIM 613659, HP:0012126.
Hereditary cancer-predisposing syndrome. Also called: Tumor predisposition; Hereditary neoplastic syndrome; Hereditary Cancer Syndrome; Neoplastic Syndromes, Hereditary. Identifiers: Orphanet 140162, MedGen C0027672, MeSH D009386, MONDO:0015356.

Submissions (7):

Women's Health and Genetics/Laboratory Corporation of America, LabCorp
Classification: Uncertain significance. Last evaluated: 2026-02-02. Review status: criteria provided, single submitter. Criteria: LabCorp Variant Classification Summary - May 2015. Collection method: clinical testing. Allele origin: germline.
Comment: Variant summary: MUTYH c.874C>G (p.Pro292Ala) results in a non-conservative amino acid change in the encoded protein sequence. Algorithms developed to predict the effect of missense changes on protein structure and function all suggest that this variant is likely to be disruptive. The variant was absent in 251102 control chromosomes. The available data on variant occurrences in the general population are insufficient to allow any conclusion about variant significance. To our knowledge, no occurrence of c.874C>G in individuals affected with MUTYH-related conditions and no experimental evidence demonstrating its impact on protein function have been reported. The following publication has been ascertained in the context of this evaluation (PMID: 29905759). ClinVar contains an entry for this variant (Variation ID: 490040). Based on the evidence outlined above, the variant was classified as uncertain significance.

Labcorp Genetics (formerly Invitae), Labcorp
Classification: Uncertain significance for Familial adenomatous polyposis 2. Last evaluated: 2026-01-27. Review status: criteria provided, single submitter. Criteria: Invitae Variant Classification Sherloc (09022015). Collection method: clinical testing. Allele origin: germline.
Comment: This sequence change replaces proline, which is neutral and non-polar, with alanine, which is neutral and non-polar, at codon 292 of the MUTYH protein (p.Pro292Ala). This variant is not present in population databases (gnomAD no frequency). This variant has not been reported in the literature in individuals affected with MUTYH-related conditions. ClinVar contains an entry for this variant (Variation ID: 490040). An algorithm developed to predict the effect of missense changes on protein structure and function (PolyPhen-2) suggests that this variant is likely to be disruptive. In summary, the available evidence is currently insufficient to determine the role of this variant in disease. Therefore, it has been classified as a Variant of Uncertain Significance.

Fulgent Genetics
Classification: Uncertain significance for Familial adenomatous polyposis 2; Gastric cancer. Last evaluated: 2024-06-04. Review status: criteria provided, single submitter. Criteria: ACMG Guidelines, 2015. Collection method: clinical testing. Allele origin: germline.

Color Diagnostics, LLC DBA Color Health
Classification: Uncertain significance for Hereditary cancer-predisposing syndrome. Last evaluated: 2023-12-05. Review status: criteria provided, single submitter. Criteria: ACMG Guidelines, 2015. Collection method: clinical testing. Allele origin: germline.
Comment: This missense variant replaces proline with alanine at codon 292 of the MUTYH protein. Computational prediction suggests that this variant may have deleterious impact on protein structure and function (internally defined REVEL score threshold >= 0.7, PMID: 27666373). To our knowledge, functional studies have not been reported for this variant. This variant has not been reported in individuals affected with MUTYH-related disorders in the literature. This variant has not been identified in the general population by the Genome Aggregation Database (gnomAD). The available evidence is insufficient to determine the role of this variant in disease conclusively. Therefore, this variant is classified as a Variant of Uncertain Significance.

Baylor Genetics
Classification: Uncertain significance for Familial adenomatous polyposis 2. Last evaluated: 2023-09-01. Review status: criteria provided, single submitter. Criteria: ACMG Guidelines, 2015. Collection method: clinical testing. Allele origin: unknown.

Ambry Genetics
Classification: Uncertain significance for Hereditary cancer-predisposing syndrome. Last evaluated: 2023-07-12. Review status: criteria provided, single submitter. Criteria: Ambry Variant Classification Scheme 2023. Collection method: clinical testing. Allele origin: germline.
Comment: The p.P292A variant (also known as c.874C>G), located in coding exon 10 of the MUTYH gene, results from a C to G substitution at nucleotide position 874. The proline at codon 292 is replaced by alanine, an amino acid with highly similar properties. This amino acid position is highly conserved in available vertebrate species. In addition, this alteration is predicted to be deleterious by in silico analysis. Since supporting evidence is limited at this time, the clinical significance of this alteration remains unclear.

Sema4
Classification: Uncertain significance for Hereditary cancer-predisposing syndrome. Last evaluated: 2021-12-13. Review status: criteria provided, single submitter. Criteria: Sema4 Curation Guidelines. Collection method: curation. Allele origin: germline.
Comment: The MUTYH c.874C>G (p.P292A) variant has not been reported in the literature to our knowledge. It was not observed in the large and broad cohorts of the Genome Aggregation Database (PMID: 32461654). The variant has been reported in ClinVar (Variation ID: 490040). In silico tools suggest the impact of the variant on protein function is deleterious, though these predictions have not been confirmed by functional studies. The evidence is insufficient to meet ACMG/AMP criteria for classifying the variant as benign or pathogenic. Thus, the clinical significance of this variant is currently uncertain.

Literature cited by the submitters: PubMed 29905759 (cited by Women's Health and Genetics/Laboratory Corporation of America, LabCorp).

NM_001048174.2(MUTYH):c.790C>G (p.Pro264Ala)

Gene: MUTYH (mutY DNA glycosylase; minus strand). Cytogenetic location: 1p34.1.
Variant type: single nucleotide variant.
Coding change: c.790C>G on transcript NM_001048174.2 (MANE Select); coding-DNA position 790, C replaced by G.
Protein change: p.Pro264Ala; replaces proline 264 with alanine.
Molecular consequence: missense variant. On other transcripts: non-coding transcript variant (2).
Genome position (GRCh38, 1-based): chr1:45,332,225, G>C on the plus strand (C>G on the coding strand, the complement: MUTYH is on the minus strand). VCF-style: chr1-45332225-G-C. GRCh37 (hg19) VCF-style: chr1-45797897-G-C.
Other names: c.790C>G, p.Pro264Ala (NM_001048171.2, NM_001048173.2, NM_001293195.2); c.793C>G, p.Pro265Ala (NM_001048172.2); c.874C>G, p.Pro292Ala (NM_001128425.2); c.835C>G, p.Pro279Ala (NM_001293190.2); c.823C>G, p.Pro275Ala (NM_001293191.2); c.514C>G, p.Pro172Ala (NM_001293192.2, NM_001293196.2); c.445C>G, p.Pro149Ala (NM_001350650.2, NM_001350651.2); c.865C>G, p.Pro289Ala (NM_012222.3); short protein forms P292A, P279A, P265A, P275A, P172A, P264A, P289A, P149A.
Identifiers: ClinVar variation 490040 (VCV000490040.15), dbSNP rs587781949, ClinGen allele CA340134495.